The following is an entry in ClinVar:

ClinVar aggregate classification (germline): Uncertain significance (1 of 4 stars; one submission).

Conditions:
Inborn genetic diseases. Identifiers: MedGen C0950123, MeSH D030342.

Submission:

Ambry Genetics
Classification: Uncertain significance for Inborn genetic diseases. Last evaluated: 2026-07-07. Review status: criteria provided, single submitter. Criteria: Ambry Variant Classification Scheme 2023. Collection method: clinical testing. Allele origin: germline.
Comment: The p.P1759T variant (also known as c.5275C>A), located in coding exon 43 of the CACNA1S gene, results from a C to A substitution at nucleotide position 5275. The proline at codon 1759 is replaced by threonine, an amino acid with highly similar properties. This amino acid position is conserved. In addition, this alteration is predicted to be tolerated by in silico analysis. Based on the available evidence, the clinical significance of this variant remains unclear.

NM_000069.3(CACNA1S):c.5275C>A (p.Pro1759Thr)

Gene: CACNA1S (calcium voltage-gated channel subunit alpha1 S; minus strand). Cytogenetic location: 1q32.1.
Variant type: single nucleotide variant.
Coding change: c.5275C>A on transcript NM_000069.3 (MANE Select); coding-DNA position 5275, C replaced by A.
Protein change: p.Pro1759Thr; replaces proline 1759 with threonine.
Molecular consequence: missense variant.
Genome position (GRCh38, 1-based): chr1:201,040,326, G>T on the plus strand (C>A on the coding strand, the complement: CACNA1S is on the minus strand). VCF-style: chr1-201040326-G-T. GRCh37 (hg19) VCF-style: chr1-201009454-G-T.
Other names: short protein forms P1759T.
Identifiers: ClinVar variation 5033630 (VCV005033630.1).